The following is an entry in ClinVar:

NM_015697.9(COQ2):c.-90A>G

Gene: COQ2 (coenzyme Q2, polyprenyltransferase; minus strand). Cytogenetic location: 4q21.23.
Variant type: single nucleotide variant.
Coding change: c.-90A>G on transcript NM_015697.9; 90 bases upstream of the start codon, A replaced by G.
Molecular consequence: 5 prime UTR variant.
Genome position (GRCh38, 1-based): chr4:83,285,004, T>C on the plus strand (A>G on the coding strand, the complement: COQ2 is on the minus strand). VCF-style: chr4-83285004-T-C. GRCh37 (hg19) VCF-style: chr4-84206157-T-C.
Identifiers: ClinVar variation 677693 (VCV000677693.4), dbSNP rs114115873, ClinGen allele CA100656838.
Genomic context (GRCh38, chr4:83,285,004, plus strand): 5'-TAATGAAAAAGGGATTTCTATTGGCAAAAGGCAAAAAAATTACAATAAATTTAGTTGTAA[T>C]TTTTTACAACTCGATCTTGATTGACTTTGTGGTTCCATTATCGGGCAACACTCAGAACGG-3'

ClinVar aggregate classification (germline): Likely benign. Review status: criteria provided, multiple submitters, no conflicts (2 of 4 stars). 2 submissions from 2 submitters: Likely benign (2). Last evaluated 2018-06-18.

Allele frequency attached by ClinVar (database versions not stated): gnomAD 0.00472; 1000 Genomes Project 0.00280; 1000 Genomes Project 30x 0.00281; TOPMed 0.00488; gnomAD exomes 0.00698.
gnomAD v4.1: 6,148 of 922,682 alleles (0.67%); highest among the groups gnomAD compares: Middle Eastern, 1.2%; 46 homozygotes.

Submissions (2):

GeneDx
Classification: Likely benign. Last evaluated: 2018-06-18. Review status: criteria provided, single submitter. Criteria: GeneDx Variant Classification (06012015). Collection method: clinical testing. Allele origin: germline. Affected: yes.
Comment: This variant is considered likely benign or benign based on one or more of the following criteria: it is a conservative change, it occurs at a poorly conserved position in the protein, it is predicted to be benign by multiple in silico algorithms, and/or has population frequency not consistent with disease.

Breakthrough Genomics
Classification: Likely benign. Review status: criteria provided, single submitter. Criteria: ACMG Guidelines, 2015. Collection method: not provided. Allele origin: germline. Inheritance: Autosomal recessive inheritance. Affected: yes.